The following is an entry in ClinVar:

ClinVar aggregate classification (germline): Uncertain significance (1 of 4 stars; one submission).

Submission:

GeneDx
Classification: Uncertain significance. Last evaluated: 2025-12-18. Review status: criteria provided, single submitter. Criteria: GeneDx Variant Classification Process June 2021. Collection method: clinical testing. Allele origin: germline.
Comment: Not observed at significant frequency in large population cohorts (gnomAD); In silico analysis supports that this missense variant has a deleterious effect on protein structure/function; Has not been previously published as pathogenic or benign to our knowledge

NM_005445.4(SMC3):c.94G>A (p.Gly32Ser)

Gene: SMC3 (structural maintenance of chromosomes 3; plus strand). Cytogenetic location: 10q25.2.
Variant type: single nucleotide variant.
Coding change: c.94G>A on transcript NM_005445.4 (MANE Select); coding-DNA position 94, G replaced by A.
Protein change: p.Gly32Ser; replaces glycine 32 with serine.
Molecular consequence: missense variant.
Genome position (GRCh38, 1-based): chr10:110,573,709, G>A. VCF-style: chr10-110573709-G-A. GRCh37 (hg19) VCF-style: chr10-112333467-G-A.
Other names: short protein forms G32S.
Identifiers: ClinVar variation 3343420 (VCV003343420.2).